The following is an entry in ClinVar:

NM_052947.4(ALPK2):c.2956T>G (p.Trp986Gly)

Gene: ALPK2 (alpha kinase 2; minus strand). Cytogenetic location: 18q21.31.
Variant type: single nucleotide variant.
Coding change: c.2956T>G on transcript NM_052947.4 (MANE Select); coding-DNA position 2956, T replaced by G.
Protein change: p.Trp986Gly; replaces tryptophan 986 with glycine.
Molecular consequence: missense variant.
Genome position (GRCh38, 1-based): chr18:58,537,231, A>C on the plus strand (T>G on the coding strand, the complement: ALPK2 is on the minus strand). VCF-style: chr18-58537231-A-C. GRCh37 (hg19) VCF-style: chr18-56204463-A-C.
Other names: short protein forms W986G.
Identifiers: ClinVar variation 3228665 (VCV003228665.1), dbSNP rs375519276, ClinGen allele CA300927372.

ClinVar aggregate classification (germline): Uncertain significance (1 of 4 stars; one submission).

Allele frequency attached by ClinVar (database versions not stated): TOPMed below 0.00001; gnomAD 0.00001; ESP Exome Variant Server 0.00008.
gnomAD v4.1: 1 of 1,614,080 alleles (0.000062%); highest among the groups gnomAD compares: African/African-American, 0.0013%; no homozygotes.

Submission:

Ambry Genetics
Classification: Uncertain significance. Last evaluated: 2024-01-05. Review status: criteria provided, single submitter. Criteria: Ambry Variant Classification Scheme 2023. Collection method: clinical testing. Allele origin: germline.
Comment: The p.W986G variant (also known as c.2956T>G), located in coding exon 4 of the ALPK2 gene, results from a T to G substitution at nucleotide position 2956. The tryptophan at codon 986 is replaced by glycine, an amino acid with highly dissimilar properties. This amino acid position is conserved. In addition, this alteration is predicted to be tolerated by in silico analysis. Since supporting evidence is limited at this time, the clinical significance of this alteration remains unclear.